The following is an entry in ClinVar:

ClinVar aggregate classification (germline): Likely benign. Review status: criteria provided, single submitter (1 of 4 stars). 2 submissions from 2 submitters: Likely benign (1). 1 of the submissions does not count toward it. Last evaluated 2026-06-01.

Conditions:
TRPA1-related disorder. Also called: TRPA1-related condition.

Allele frequency attached by ClinVar (database versions not stated): gnomAD exomes 0.00018; ExAC 0.00046; gnomAD 0.00094; TOPMed 0.00104; 1000 Genomes Project 30x 0.00172.
gnomAD v4.1: 425 of 1,613,576 alleles (0.026%); highest among the groups gnomAD compares: African/African-American, 0.26%; no homozygotes.

Submissions (2):

CeGaT Center for Human Genetics Tuebingen
Classification: Likely benign. Last evaluated: 2026-06-01. Review status: criteria provided, single submitter. Criteria: CeGaT Center For Human Genetics Tuebingen Variant Classification Criteria Version 2. Collection method: clinical testing. Allele origin: germline. Affected: yes. Observed: 1 variant allele.
Comment: TRPA1: BP4, BP7

PreventionGenetics, part of Exact Sciences
Classification: Likely benign for TRPA1-related condition. Last evaluated: 2019-06-05. Review status: no assertion criteria provided. Collection method: clinical testing. Allele origin: germline. Not counted in ClinVar's aggregate classification.
Comment: This variant is classified as likely benign based on ACMG/AMP sequence variant interpretation guidelines (Richards et al. 2015 PMID: 25741868, with internal and published modifications).

NM_007332.3(TRPA1):c.1434T>G (p.Gly478=)

Genes: MSC-AS1 (MSC antisense RNA 1; plus strand), TRPA1 (transient receptor potential cation channel subfamily A member 1; minus strand). Cytogenetic location: 8q21.11.
Variant type: single nucleotide variant.
Coding change: c.1434T>G on transcript NM_007332.3 (MANE Select); coding-DNA position 1434, T replaced by G.
Protein change: p.Gly478=; no amino-acid change (glycine 478 retained).
Molecular consequence: synonymous variant. On other transcripts: non-coding transcript variant (2).
Genome position (GRCh38, 1-based): chr8:72,055,531, A>C on the plus strand (T>G on the coding strand, the complement: TRPA1 is on the minus strand). VCF-style: chr8-72055531-A-C. GRCh37 (hg19) VCF-style: chr8-72967766-A-C.
Identifiers: ClinVar variation 3044169 (VCV003044169.4), dbSNP rs2701459, ClinGen allele CA4780905.